The following is an entry in ClinVar:

NM_020937.4(FANCM):c.5088GAA[1] (p.Lys1697del)

Gene: FANCM (FA complementation group M; plus strand). Cytogenetic location: 14q21.2.
Variant type: Microsatellite.
Coding change: c.5088GAA[1] on transcript NM_020937.4 (MANE Select); one copy of the 3-base unit GAA starting at c.5088; the reference has two copies in a row; one copy, 3 bases deleted; also written c.5091_5093del.
Protein change: p.Lys1697del; deletes lysine 1697.
Molecular consequence: inframe deletion.
Genome position (GRCh38, 1-based): chr14:45,189,113-45,189,115, GAA deleted; deleting any 3 consecutive bases within chr14:45,189,108-45,189,115 gives the same sequence; the position shown is the placement nearest the transcript's 3' end. VCF-style (leftmost placement, unchanged base first): chr14-45189107-TAAG-T. GRCh37 (hg19) VCF-style: chr14-45658310-TAAG-T.
Other names: c.5010GAA[1], p.Lys1671del (NM_001308133.2); c.5091_5093del (NM_020937.2); short protein forms K1671del, K1697del.
Identifiers: ClinVar variation 1366410 (VCV001366410.9), dbSNP rs2139296928, ClinGen allele CA2575516483.

ClinVar aggregate classification (germline): Uncertain significance. Review status: criteria provided, multiple submitters, no conflicts (2 of 4 stars). 2 submissions from 2 submitters: Uncertain significance (2). Last evaluated 2025-05-02.

Conditions:
Fanconi anemia (FA). Also called: Fanconi's anemia. Identifiers: Orphanet 84, MedGen C0015625, MeSH D005199, MONDO:0019391.

Submissions (2):

GeneDx
Classification: Uncertain significance. Last evaluated: 2025-05-02. Review status: criteria provided, single submitter. Criteria: GeneDx Variant Classification Process June 2021. Collection method: clinical testing. Allele origin: germline. Affected: yes.
Comment: Not observed at significant frequency in large population cohorts (gnomAD); In-frame deletion of 1 amino acid(s) in a non-repeat region; In silico analysis suggests that this variant does not alter protein structure/function; Has not been previously published as pathogenic or benign to our knowledge

Labcorp Genetics (formerly Invitae), Labcorp
Classification: Uncertain significance for Fanconi anemia. Last evaluated: 2021-12-30. Review status: criteria provided, single submitter. Criteria: Invitae Variant Classification Sherloc (09022015). Collection method: clinical testing. Allele origin: germline.
Comment: This variant, c.5091_5093del, results in the deletion of 1 amino acid(s) of the FANCM protein (p.Lys1697del), but otherwise preserves the integrity of the reading frame. This variant is not present in population databases (gnomAD no frequency). In summary, the available evidence is currently insufficient to determine the role of this variant in disease. Therefore, it has been classified as a Variant of Uncertain Significance. Experimental studies and prediction algorithms are not available or were not evaluated, and the functional significance of this variant is currently unknown. This variant has not been reported in the literature in individuals affected with FANCM-related conditions.